The following is an entry in ClinVar:

NM_001244008.2(KIF1A):c.4406G>A (p.Ser1469Asn)

Gene: KIF1A (kinesin family member 1A; minus strand). Cytogenetic location: 2q37.3.
Variant type: single nucleotide variant.
Coding change: c.4406G>A on transcript NM_001244008.2 (MANE Select); coding-DNA position 4406, G replaced by A.
Protein change: p.Ser1469Asn; replaces serine 1469 with asparagine.
Molecular consequence: missense variant.
Genome position (GRCh38, 1-based): chr2:240,723,471, C>T on the plus strand (G>A on the coding strand, the complement: KIF1A is on the minus strand). VCF-style: chr2-240723471-C-T. GRCh37 (hg19) VCF-style: chr2-241662888-C-T.
Other names: c.4130G>A, p.Ser1377Asn (NM_001320705.2, NM_001379649.1); c.4157G>A, p.Ser1386Asn (NM_001330289.2); c.4205G>A, p.Ser1402Asn (NM_001330290.2, NM_001379648.1); c.4481G>A, p.Ser1494Asn (NM_001379631.1); c.4382G>A, p.Ser1461Asn (NM_001379632.1); c.4379G>A, p.Ser1460Asn (NM_001379633.1, NM_001379645.1); c.4232G>A, p.Ser1411Asn (NM_001379634.1); c.4229G>A, p.Ser1410Asn (NM_001379635.1, NM_001379646.1); and 7 more; short protein forms S1368N, S1386N, S1402N, S1469N, S1377N, S1385N, S1393N, S1494N.
Identifiers: ClinVar variation 1740359 (VCV001740359.2), dbSNP rs2536722133, ClinGen allele CA351305253.

ClinVar aggregate classification (germline): Uncertain significance (1 of 4 stars; one submission).

Conditions:
Inborn genetic diseases. Identifiers: MedGen C0950123, MeSH D030342.

Submission:

Ambry Genetics
Classification: Uncertain significance for Inborn genetic diseases. Last evaluated: 2022-09-25. Review status: criteria provided, single submitter. Criteria: Ambry Variant Classification Scheme 2023. Collection method: clinical testing. Allele origin: germline.
Comment: The p.S1469N variant (also known as c.4406G>A), located in coding exon 41 of the KIF1A gene, results from a G to A substitution at nucleotide position 4406. The serine at codon 1469 is replaced by asparagine, an amino acid with highly similar properties. This amino acid position is highly conserved in available vertebrate species. In addition, this alteration is predicted to be tolerated by in silico analysis. The evidence for this gene-disease relationship is limited; therefore, the clinical significance of this alteration is unclear.